The following is an entry in ClinVar:

NM_007272.3(CTRC):c.112C>T (p.Pro38Ser)

Gene: CTRC (chymotrypsin C; plus strand). Cytogenetic location: 1p36.21.
Variant type: single nucleotide variant.
Coding change: c.112C>T on transcript NM_007272.3 (MANE Select); coding-DNA position 112, C replaced by T.
Protein change: p.Pro38Ser; replaces proline 38 with serine.
Molecular consequence: missense variant.
Genome position (GRCh38, 1-based): chr1:15,440,371, C>T. VCF-style: chr1-15440371-C-T. GRCh37 (hg19) VCF-style: chr1-15766867-C-T.
Other names: short protein forms P38S.
Identifiers: ClinVar variation 4560255 (VCV004560255.1).
Genomic context (GRCh38, chr1:15,440,371, plus strand): 5'-GGGGTGCCCAGCTTCCCGCCCAACCTATCCGCCCGAGTGGTGGGAGGAGAGGATGCCCGG[C>T]CCCACAGCTGGCCCTGGCAGGTAAGCCTGTGTAGGGCTGGGAGGTACAGATAGAGAGGGT-3'
Protein context (NP_009203.2, residues 28-48): ARVVGGEDAR[Pro38Ser]HSWPWQISLQ

ClinVar aggregate classification (germline): Uncertain significance (1 of 4 stars; one submission).

Conditions:
Hereditary pancreatitis (PCTT). Also called: Hereditary chronic pancreatitis; PRSS1-Related Hereditary Pancreatitis. Identifiers: Orphanet 676, MedGen C0238339, MONDO:0008185, OMIM 167800.

Submission:

Ambry Genetics
Classification: Uncertain significance for Hereditary pancreatitis. Last evaluated: 2025-11-09. Review status: criteria provided, single submitter. Criteria: Ambry Variant Classification Scheme 2023. Collection method: clinical testing. Allele origin: germline.
Comment: The p.P38S variant (also known as c.112C>T), located in coding exon 2 of the CTRC gene, results from a C to T substitution at nucleotide position 112. The proline at codon 38 is replaced by serine, an amino acid with similar properties. This amino acid position is conserved. In addition, the in silico prediction for this alteration is inconclusive. Based on the available evidence, the clinical significance of this variant remains unclear.